The following is an entry in ClinVar:

ClinVar aggregate classification (germline): Uncertain significance. Review status: criteria provided, multiple submitters, no conflicts (2 of 4 stars). 2 submissions from 2 submitters: Uncertain significance (2). Last evaluated 2023-12-07.

Allele frequency attached by ClinVar (database versions not stated): ExAC 0.00003; TOPMed 0.00003.
gnomAD v4.1: 57 of 1,612,026 alleles (0.0035%); highest among the groups gnomAD compares: South Asian, 0.012%; no homozygotes.

Submissions (2):

GeneDx
Classification: Uncertain significance. Last evaluated: 2023-12-07. Review status: criteria provided, single submitter. Criteria: GeneDx Variant Classification Process June 2021. Collection method: clinical testing. Allele origin: germline. Affected: yes.
Comment: Has not been previously published as pathogenic or benign to our knowledge; In silico analysis supports that this missense variant does not alter protein structure/function

Labcorp Genetics (formerly Invitae), Labcorp
Classification: Uncertain significance. Last evaluated: 2022-03-18. Review status: criteria provided, single submitter. Criteria: Invitae Variant Classification Sherloc (09022015). Collection method: clinical testing. Allele origin: germline.
Comment: This sequence change replaces valine, which is neutral and non-polar, with methionine, which is neutral and non-polar, at codon 3161 of the CPLANE1 protein (p.Val3161Met). This variant is present in population databases (rs757393817, gnomAD 0.02%). This variant has not been reported in the literature in individuals affected with CPLANE1-related conditions. Advanced modeling of protein sequence and biophysical properties (such as structural, functional, and spatial information, amino acid conservation, physicochemical variation, residue mobility, and thermodynamic stability) performed at Invitae indicates that this missense variant is not expected to disrupt CPLANE1 protein function. In summary, the available evidence is currently insufficient to determine the role of this variant in disease. Therefore, it has been classified as a Variant of Uncertain Significance.

NM_001384732.1(CPLANE1):c.9643G>A (p.Val3215Met)

Gene: CPLANE1 (ciliogenesis and planar polarity effector complex subunit 1; minus strand). Cytogenetic location: 5p13.2.
Variant type: single nucleotide variant.
Coding change: c.9643G>A on transcript NM_001384732.1 (MANE Select); coding-DNA position 9643, G replaced by A.
Protein change: p.Val3215Met; replaces valine 3215 with methionine.
Molecular consequence: missense variant.
Genome position (GRCh38, 1-based): chr5:37,107,715, C>T on the plus strand (G>A on the coding strand, the complement: CPLANE1 is on the minus strand). VCF-style: chr5-37107715-C-T. GRCh37 (hg19) VCF-style: chr5-37107817-C-T.
Other names: c.9481G>A, p.Val3161Met (NM_023073.4); c.9481G>A (NM_023073.3); short protein forms V3161M, V3215M.
Identifiers: ClinVar variation 2153090 (VCV002153090.2), dbSNP rs757393817, ClinGen allele CA3237404.